The following is an entry in ClinVar:

NM_001128840.3(CACNA1D):c.6222T>C (p.Tyr2074=)

Gene: CACNA1D (calcium voltage-gated channel subunit alpha1 D; plus strand). Cytogenetic location: 3p21.1.
Variant type: single nucleotide variant.
Coding change: c.6222T>C on transcript NM_001128840.3 (MANE Select); coding-DNA position 6222, T replaced by C.
Protein change: p.Tyr2074=; no amino-acid change (tyrosine 2074 retained).
Molecular consequence: synonymous variant.
Genome position (GRCh38, 1-based): chr3:53,811,142, T>C. VCF-style: chr3-53811142-T-C. GRCh37 (hg19) VCF-style: chr3-53845169-T-C.
Other names: c.6282T>C, p.Tyr2094= (NM_000720.4); c.6150T>C, p.Tyr2050= (NM_001128839.3).
Identifiers: ClinVar variation 726574 (VCV000726574.8), dbSNP rs762580581, ClinGen allele CA2455408.

ClinVar aggregate classification (germline): Likely benign. Review status: criteria provided, multiple submitters, no conflicts (2 of 4 stars). 2 submissions from 2 submitters: Likely benign (2). Last evaluated 2026-01-03.

Conditions:
CACNA1D-related disorder.

Allele frequency attached by ClinVar (database versions not stated): gnomAD exomes 0.00002 and 0.00008; gnomAD 0.00003; TOPMed 0.00003; ExAC 0.00007.
gnomAD v4.1: 29 of 1,613,984 alleles (0.0018%); highest among the groups gnomAD compares: Middle Eastern, 0.066%; no homozygotes.

Submissions (2):

PreventionGenetics, part of Exact Sciences
Classification: Likely benign for CACNA1D-related condition. Last evaluated: 2026-01-03. Review status: criteria provided, single submitter. Criteria: ACMG Guidelines, 2015. Collection method: clinical testing. Allele origin: germline.
Comment: This variant is classified as likely benign based on ACMG/AMP sequence variant interpretation guidelines (Richards et al. 2015 PMID: 25741868, with internal and published modifications).

Labcorp Genetics (formerly Invitae), Labcorp
Classification: Likely benign. Last evaluated: 2025-03-31. Review status: criteria provided, single submitter. Criteria: Invitae Variant Classification Sherloc (09022015). Collection method: clinical testing. Allele origin: germline.